The following is an entry in ClinVar:

NM_000492.4(CFTR):c.4136+52del

Gene: CFTR (CF transmembrane conductance regulator; plus strand). Cytogenetic location: 7q31.2.
Variant type: Deletion.
Coding change: c.4136+52del on transcript NM_000492.4 (MANE Select); 52 bases into the intron after coding-DNA position 4136, one base deleted (A; older notation c.4136+52delA).
Molecular consequence: intron variant.
Genome position (GRCh38, 1-based): chr7:117,664,912, A deleted. VCF-style (leftmost placement, unchanged base first): chr7-117664911-TA-T. GRCh37 (hg19) VCF-style: chr7-117304965-TA-T.
Other names: c.4136+52delA (NM_000492.4).
Identifiers: ClinVar variation 1172857 (VCV001172857.4), dbSNP rs779110970, ClinGen allele CA4451644.

ClinVar aggregate classification (germline): Likely benign (1 of 4 stars; one submission).

Allele frequency attached by ClinVar (database versions not stated): gnomAD 0.00001; gnomAD exomes 0.00004 and 0.00020; TOPMed 0.00010; ExAC 0.00020.

Submission:

Women's Health and Genetics/Laboratory Corporation of America, LabCorp
Classification: Likely benign. Last evaluated: 2026-01-08. Review status: criteria provided, single submitter. Criteria: LabCorp Variant Classification Summary - May 2015. Collection method: clinical testing. Allele origin: germline.
Comment: Variant summary: CFTR c.4136+52delA is located at a position not widely known to affect splicing. Consensus agreement among computation tools predict no significant impact on normal splicing. However, these predictions have yet to be confirmed by functional studies. The variant allele was found at a frequency of 0.0002 in 250530 control chromosomes, predominantly at a frequency of 0.0015 within the Latino subpopulation in the gnomAD database. This frequency is not significantly higher than estimated for disease-causing variants in CFTR, allowing no conclusion about variant significance. To our knowledge, no occurrence of c.4136+52delA in individuals affected with CFTR-related conditions and no experimental evidence demonstrating its impact on protein function have been reported. ClinVar contains an entry for this variant (Variation ID: 1172857). Based on the evidence outlined above, the variant was classified as likely benign.